The following is an entry in ClinVar:

NM_001846.4(COL4A2):c.1598G>C (p.Gly533Ala)

Genes: COL4A2 (collagen type IV alpha 2 chain; plus strand), COL4A2-AS2 (COL4A2 antisense RNA 2; minus strand). Cytogenetic location: 13q34.
Variant type: single nucleotide variant.
Coding change: c.1598G>C on transcript NM_001846.4 (MANE Select); coding-DNA position 1598, G replaced by C.
Protein change: p.Gly533Ala; replaces glycine 533 with alanine.
Molecular consequence: missense variant.
Genome position (GRCh38, 1-based): chr13:110,462,115, G>C. VCF-style: chr13-110462115-G-C. GRCh37 (hg19) VCF-style: chr13-111114462-G-C.
Other names: short protein forms G533A.
Identifiers: ClinVar variation 3699412 (VCV003699412.2).

ClinVar aggregate classification (germline): Uncertain significance (1 of 4 stars; one submission).

Submission:

Labcorp Genetics (formerly Invitae), Labcorp
Classification: Uncertain significance. Last evaluated: 2024-04-30. Review status: criteria provided, single submitter. Criteria: Invitae Variant Classification Sherloc (09022015). Collection method: clinical testing. Allele origin: germline.
Comment: This sequence change replaces glycine, which is neutral and non-polar, with alanine, which is neutral and non-polar, at codon 533 of the COL4A2 protein (p.Gly533Ala). This variant is not present in population databases (gnomAD no frequency). This variant has not been reported in the literature in individuals affected with COL4A2-related conditions. An algorithm developed to predict the effect of missense changes on protein structure and function (PolyPhen-2) suggests that this variant is likely to be disruptive. In summary, the available evidence is currently insufficient to determine the role of this variant in disease. Therefore, it has been classified as a Variant of Uncertain Significance.